The following is an entry in ClinVar:

ClinVar aggregate classification (germline): Uncertain significance (1 of 4 stars; one submission).

Conditions:
Combined immunodeficiency due to DOCK8 deficiency (HIES2). Also called: Hyper-IgE recurrent infection syndrome, autosomal recessive; HYPER-IgE SYNDROME 2, AUTOSOMAL RECESSIVE, WITH RECURRENT INFECTIONS; HIES autosomal recessive; DOCK8 Deficiency; HYPER-IgE RECURRENT INFECTION SYNDROME 2, AUTOSOMAL RECESSIVE. Identifiers: Orphanet 217390, MedGen C4722305, MONDO:0009478, OMIM 243700.

Allele frequency attached by ClinVar (database versions not stated): ExAC 0.00001.

Submission:

Labcorp Genetics (formerly Invitae), Labcorp
Classification: Uncertain significance for Combined immunodeficiency due to DOCK8 deficiency. Last evaluated: 2023-11-28. Review status: criteria provided, single submitter. Criteria: Invitae Variant Classification Sherloc (09022015). Collection method: clinical testing. Allele origin: germline.
Comment: This sequence change replaces valine, which is neutral and non-polar, with alanine, which is neutral and non-polar, at codon 270 of the DOCK8 protein (p.Val270Ala). This variant is present in population databases (rs763110917, gnomAD 0.006%). This variant has not been reported in the literature in individuals affected with DOCK8-related conditions. ClinVar contains an entry for this variant (Variation ID: 1714632). Advanced modeling of protein sequence and biophysical properties (such as structural, functional, and spatial information, amino acid conservation, physicochemical variation, residue mobility, and thermodynamic stability) performed at Invitae indicates that this missense variant is not expected to disrupt DOCK8 protein function with a negative predictive value of 80%. In summary, the available evidence is currently insufficient to determine the role of this variant in disease. Therefore, it has been classified as a Variant of Uncertain Significance.

NM_203447.4(DOCK8):c.809T>C (p.Val270Ala)

Gene: DOCK8 (dedicator of cytokinesis 8; plus strand). Cytogenetic location: 9p24.3.
Variant type: single nucleotide variant.
Coding change: c.809T>C on transcript NM_203447.4 (MANE Select); coding-DNA position 809, T replaced by C.
Protein change: p.Val270Ala; replaces valine 270 with alanine.
Molecular consequence: missense variant.
Genome position (GRCh38, 1-based): chr9:317,110, T>C. VCF-style: chr9-317110-T-C. GRCh37 (hg19) VCF-style: chr9-317110-T-C.
Other names: c.605T>C, p.Val202Ala (NM_001190458.2, NM_001193536.2); short protein forms V202A, V270A.
Identifiers: ClinVar variation 1714632 (VCV001714632.6), dbSNP rs763110917, ClinGen allele CA4957455.